The following is an entry in ClinVar:

ClinVar aggregate classification (germline): Pathogenic. Review status: criteria provided, multiple submitters, no conflicts (2 of 4 stars). 5 submissions from 5 submitters: Pathogenic (5). Last evaluated 2025-10-30.

Conditions:
Intellectual developmental disorder, X-linked 1. Also called: MENTAL RETARDATION, X-LINKED 18; MENTAL RETARDATION, X-LINKED 78; Atkin Flaitz Patil Smith syndrome; Intellectual disability, X-linked 1. Identifiers: Orphanet 777, MedGen C2931498, MONDO:0010656, OMIM 309530.

Submissions (5):

Institute of Human Genetics, University of Leipzig Medical Center
Classification: Pathogenic for Intellectual developmental disorder, X-linked 1. Last evaluated: 2025-10-30. Review status: criteria provided, single submitter. Criteria: ACMG Guidelines, 2015. Collection method: clinical testing. Allele origin: unknown. Inheritance: X-linked dominant inheritance. Affected: yes.
Comment: Criteria applied: PVS1,PS2_VSTR,PS4_MOD,PM2_SUP

Labcorp Genetics (formerly Invitae), Labcorp
Classification: Pathogenic for Intellectual developmental disorder, X-linked 1. Last evaluated: 2023-08-04. Review status: criteria provided, single submitter. Criteria: Invitae Variant Classification Sherloc (09022015). Collection method: clinical testing. Allele origin: germline.
Comment: This sequence change creates a premature translational stop signal (p.Pro285Leufs*21) in the IQSEC2 gene. It is expected to result in an absent or disrupted protein product. Loss-of-function variants in IQSEC2 are known to be pathogenic (PMID: 21686261, 26793055, 27665735). The frequency data for this variant in the population databases is considered unreliable, as metrics indicate poor data quality at this position in the gnomAD database. This premature translational stop signal has been observed in individual(s) with intellectual disability syndrome (PMID: 30206421, 33624935, 33753861). In at least one individual the variant was observed to be de novo. ClinVar contains an entry for this variant (Variation ID: 619985). For these reasons, this variant has been classified as Pathogenic.

GeneDx
Classification: Pathogenic. Last evaluated: 2022-04-11. Review status: criteria provided, single submitter. Criteria: GeneDx Variant Classification Process June 2021. Collection method: clinical testing. Allele origin: germline. Affected: yes.
Comment: Frameshift variant predicted to result in protein truncation or nonsense mediated decay in a gene for which loss of function is a known mechanism of disease; This variant is associated with the following publications: (PMID: 33753861, 33624935, 30206421)

Cytogénomique, Hospices Civils de Lyon
Classification: Pathogenic for Intellectual developmental disorder, X-linked 1. Last evaluated: 2017-03-10. Review status: criteria provided, single submitter. Criteria: ACMG Guidelines, 2015. Collection method: clinical testing. Allele origin: de novo. Inheritance: X-linked inheritance. Affected: yes.

National Institute of Neuroscience, National Center of Neurology and Psychiatry
Classification: Pathogenic for Intellectual developmental disorder, X-linked 1. Review status: criteria provided, single submitter. Criteria: ACMG Guidelines, 2015. Collection method: research. Allele origin: de novo. Affected: yes. Observed: 1 variant allele.

Literature cited by the submitters: PubMed 21686261 (cited by Labcorp Genetics (formerly Invitae), Labcorp); PubMed 26793055 (cited by Labcorp Genetics (formerly Invitae), Labcorp); PubMed 27665735 (cited by Labcorp Genetics (formerly Invitae), Labcorp); PubMed 30206421 (cited by Labcorp Genetics (formerly Invitae), Labcorp); PubMed 33624935 (cited by Labcorp Genetics (formerly Invitae), Labcorp and National Institute of Neuroscience, National Center of Neurology and Psychiatry); PubMed 33753861 (cited by Labcorp Genetics (formerly Invitae), Labcorp).

NM_001111125.3(IQSEC2):c.854del (p.Pro285fs)

Gene: IQSEC2 (IQ motif and Sec7 domain ArfGEF 2; minus strand). Cytogenetic location: Xp11.22.
Variant type: Deletion.
Coding change: c.854del on transcript NM_001111125.3 (MANE Select); coding-DNA position 854, one base deleted (C; older notation c.854delC).
Protein change: p.Pro285fs; shifts the reading frame from proline 285.
Molecular consequence: frameshift variant.
Genome position (GRCh38, 1-based): chrX:53,255,945, G deleted on the plus strand (C on the coding strand, the reverse complement: IQSEC2 is on the minus strand); the first of 6 consecutive G bases (chrX:53,255,945-53,255,950); deleting any one gives the same sequence. VCF-style (leftmost placement, unchanged base first): chrX-53255944-AG-A. GRCh37 (hg19) VCF-style: chrX-53285126-AG-A.
Other names: c.239del, p.Pro80fs (NM_015075.2); c.854del (NM_001111125.1); short protein forms P80fs, P285fs.
Identifiers: ClinVar variation 619985 (VCV000619985.10), dbSNP rs782460038, ClinGen allele CA10420132.